The following is an entry in ClinVar:

ClinVar aggregate classification (germline): Benign (1 of 4 stars; one submission).

Allele frequency attached by ClinVar (database versions not stated): gnomAD exomes 0.64411; ExAC 0.66331; ESP Exome Variant Server 0.67696; gnomAD 0.68414; 1000 Genomes Project 0.69669; TOPMed 0.69816; 1000 Genomes Project 30x 0.70050.
gnomAD v4.1: 1,005,977 of 1,551,200 alleles (65%); highest among the groups gnomAD compares: African/African-American, 77%; 327,628 homozygotes.

Submission:

Unidad de Genómica Garrahan, Hospital de Pediatría Garrahan
Classification: Benign. Last evaluated: 2024-01-24. Review status: criteria provided, single submitter. Criteria: ACMG Guidelines, 2015. Collection method: clinical testing. Allele origin: germline. Affected: no. Observed: 91 variant alleles.
Comment: This variant is classified as Benign based on local population frequency. This variant was detected in 96% of patients studied by a panel of primary immunodeficiencies. Number of patients: 91. Only high quality variants are reported.

NM_001144958.2(CRACR2A):c.1818-29A>G

Gene: CRACR2A (calcium release activated channel regulator 2A; minus strand). Cytogenetic location: 12p13.32.
Variant type: single nucleotide variant.
Coding change: c.1818-29A>G on transcript NM_001144958.2 (MANE Select); 29 bases into the intron before coding-DNA position 1818, A replaced by G.
Molecular consequence: intron variant.
Genome position (GRCh38, 1-based): chr12:3,627,579, T>C on the plus strand (A>G on the coding strand, the complement: CRACR2A is on the minus strand). VCF-style: chr12-3627579-T-C. GRCh37 (hg19) VCF-style: chr12-3736745-T-C.
Identifiers: ClinVar variation 2688307 (VCV002688307.2), dbSNP rs10848894, ClinGen allele CA6394351.
Genomic context (GRCh38, chr12:3,627,579, plus strand): 5'-TTCTGAAGAACTGCTGGGTGATGCACCGGTACCTGCCACAGAAGGGCCACGGGTCAGGCA[T>C]GCACGGCCTTCCCTCTGGAGCCCAGAACTTCGGGCAGCTCCTCACCTCTCCTGCCCAGCC-3'